The following is an entry in ClinVar:

ClinVar aggregate classification (germline): Pathogenic (0 of 4 stars; one submission).

Conditions:
Fanconi anemia complementation group A (FANCA). Also called: Fanconi anemia, group A; FANCA-Related Fanconi Anemia. Identifiers: Orphanet 84, MedGen C3469521, MONDO:0009215, OMIM 227650.

Submission:

Leiden Open Variation Database
Classification: Pathogenic for Fanconi anemia complementation group A. Last evaluated: 2020-02-28. Review status: no assertion criteria provided. Collection method: curation. Allele origin: germline. Affected: yes.
Comment: Curator: Arleen D. Auerbach. Submitter to LOVD: Arleen D. Auerbach.

Literature cited by the submitters: PubMed 25168418.

NC_000016.10:g.(89814614_89815876)_(89816657_?)del

Gene: FANCA (FA complementation group A; minus strand). Cytogenetic location: 16q24.3.
Variant type: Deletion.
Identifiers: ClinVar variation 974072 (VCV000974072.1).